The following is an entry in ClinVar:

NM_000157.4(GBA1):c.1029del (p.Lys342_Tyr343insTer)

Genes: GBA1 (glucosylceramidase beta 1; minus strand), LOC106627981 (GBA recombination region; plus strand). Cytogenetic location: 1q22.
Variant type: Deletion.
Coding change: c.1029del on transcript NM_000157.4 (MANE Select); coding-DNA position 1029, one base deleted (T; older notation c.1029delT).
Protein change: p.Lys342_Tyr343insTer.
Molecular consequence: nonsense.
Genome position (GRCh38, 1-based): chr1:155,236,440, A deleted on the plus strand (T on the coding strand, the reverse complement: GBA1 is on the minus strand). VCF-style (leftmost placement, unchanged base first): chr1-155236439-CA-C. GRCh37 (hg19) VCF-style: chr1-155206230-CA-C.
Other names: c.1029del, p.Lys342_Tyr343insTer (NM_001005741.3, NM_001005742.3); c.768del, p.Lys255_Tyr256insTer (NM_001171811.2); c.882del, p.Lys293_Tyr294insTer (NM_001171812.2); c.1029delT (NM_000157.3).
Identifiers: ClinVar variation 496079 (VCV000496079.3), dbSNP rs1553217314, ClinGen allele CA421022126.

ClinVar aggregate classification (germline): Pathogenic. Review status: criteria provided, multiple submitters, no conflicts (2 of 4 stars). 2 submissions from 2 submitters: Pathogenic (2). Last evaluated 2025-11-05.

Conditions:
Gaucher disease. Also called: Acute cerebral Gaucher disease; Cerebroside lipidosis syndrome; Gaucher splenomegaly; Sphingolipidosis 1; Glucocerebrosidosis; Glucosylceramidase deficiency. Identifiers: Orphanet 355, MedGen C0017205, MONDO:0018150.

Allele frequency attached by ClinVar (database versions not stated): gnomAD exomes below 0.00001.

Submissions (2):

Natera, Inc.
Classification: Pathogenic for Gaucher disease. Last evaluated: 2025-11-05. Review status: criteria provided, single submitter. Criteria: Natera Variant Classification Schema (03/2026). Collection method: clinical testing. Allele origin: germline.
Comment: The c.1029delT variant in GBA1 is a frameshift variant predicted to shift the reading frame and introduce a stop codon. This variant is expected to result in nonsense mediated decay, truncation, or a dysfunctional protein product. This variant is rare in the general population with a frequency below the threshold expected for the associated phenotype(s). This variant has been observed in one or more individuals affected with the associated recessive disease, as either homozygous or compound heterozygous with a second variant (PMID: 10796875). Given the available evidence, this variant is classified as Pathogenic.

Women's Health and Genetics/Laboratory Corporation of America, LabCorp
Classification: Pathogenic for Gaucher disease. Last evaluated: 2016-11-18. Review status: criteria provided, single submitter. Criteria: LabCorp Variant Classification Summary - May 2015. Collection method: clinical testing. Allele origin: germline.
Comment: Variant summary: The GBA c.1029delT (p.Tyr343Terfs) variant (alternatively also known as Y304X, g5255delT or g.6131delT) results in a premature termination codon, predicted to cause a truncated or absent GBA protein due to nonsense mediated decay (NMD), which are commonly known mechanisms for disease. A functional analysis showed that this variant leads to nonsense mediated decay (Germain_2001), showing the variant to be a null allele. This variant has been reported in two patients with type 3 Gaucher's disease in compound heterozygous with other missense variants (Germain_2001, Koprivica_2000). Truncations downstream of this position have been classified as pathogenic by our laboratory and other laboratories in ClinVar (namely c.1265_1319del55 and p.Arg398Ter). This variant is absent in 120968 control chromosomes from the large populations from ExAC. Taken together, this variant is classified as Pathogenic.

Literature cited by the submitters: PubMed 10796875 (cited by Natera, Inc. and Women's Health and Genetics/Laboratory Corporation of America, LabCorp).